The following is an entry in ClinVar:

NM_004285.4(H6PD):c.1552G>A (p.Gly518Ser)

Gene: H6PD (hexose-6-phosphate dehydrogenase/glucose 1-dehydrogenase; plus strand). Cytogenetic location: 1p36.22.
Variant type: single nucleotide variant.
Coding change: c.1552G>A on transcript NM_004285.4 (MANE Select); coding-DNA position 1552, G replaced by A.
Protein change: p.Gly518Ser; replaces glycine 518 with serine.
Molecular consequence: missense variant.
Genome position (GRCh38, 1-based): chr1:9,264,045, G>A. VCF-style: chr1-9264045-G-A. GRCh37 (hg19) VCF-style: chr1-9324104-G-A.
Other names: c.1585G>A, p.Gly529Ser (NM_001282587.2); c.1552G>A (NM_004285.3); short protein forms G529S, G518S.
Identifiers: ClinVar variation 2738371 (VCV002738371.3), dbSNP rs147469469, ClinGen allele CA575338.

ClinVar aggregate classification (germline): Conflicting classifications of pathogenicity. Review status: criteria provided, conflicting classifications (1 of 4 stars). 3 submissions from 3 submitters: Uncertain significance (2); Likely benign (1). Last evaluated 2024-09-03.

Conditions:
Inborn genetic diseases. Identifiers: MedGen C0950123, MeSH D030342.

Allele frequency attached by ClinVar (database versions not stated): TOPMed 0.00015; 1000 Genomes Project 30x 0.00016; gnomAD exomes 0.00016; ExAC 0.00017; 1000 Genomes Project 0.00020; ESP Exome Variant Server 0.00023; gnomAD 0.00025.
gnomAD v4.1: 279 of 1,614,198 alleles (0.017%); highest among the groups gnomAD compares: Middle Eastern, 0.033%; 1 homozygote.

Submissions (3):

GeneDx
Classification: Uncertain significance. Last evaluated: 2024-09-03. Review status: criteria provided, single submitter. Criteria: GeneDx Variant Classification Process June 2021. Collection method: clinical testing. Allele origin: germline. Affected: yes.
Comment: In silico analysis indicates that this missense variant does not alter protein structure/function; Has not been previously published as pathogenic or benign to our knowledge

Ambry Genetics
Classification: Likely benign for Inborn genetic diseases. Last evaluated: 2024-02-05. Review status: criteria provided, single submitter. Criteria: Ambry Variant Classification Scheme 2023. Collection method: clinical testing. Allele origin: germline.

Labcorp Genetics (formerly Invitae), Labcorp
Classification: Uncertain significance. Last evaluated: 2024-01-04. Review status: criteria provided, single submitter. Criteria: Invitae Variant Classification Sherloc (09022015). Collection method: clinical testing. Allele origin: germline.
Comment: This sequence change replaces glycine, which is neutral and non-polar, with serine, which is neutral and polar, at codon 518 of the H6PD protein (p.Gly518Ser). This variant is present in population databases (rs147469469, gnomAD 0.04%). This variant has not been reported in the literature in individuals affected with H6PD-related conditions. Advanced modeling of protein sequence and biophysical properties (such as structural, functional, and spatial information, amino acid conservation, physicochemical variation, residue mobility, and thermodynamic stability) performed at Invitae indicates that this missense variant is not expected to disrupt H6PD protein function with a negative predictive value of 80%. In summary, the available evidence is currently insufficient to determine the role of this variant in disease. Therefore, it has been classified as a Variant of Uncertain Significance.